The following is an entry in ClinVar:

ClinVar aggregate classification (germline): Pathogenic (1 of 4 stars; one submission).

gnomAD v4.1: 7 of 1,613,470 alleles (0.00043%); highest among the groups gnomAD compares: Non-Finnish European, 0.00059%; no homozygotes.

Submission:

GeneDx
Classification: Pathogenic. Last evaluated: 2026-02-12. Review status: criteria provided, single submitter. Criteria: GeneDx Variant Classification Process June 2021. Collection method: clinical testing. Allele origin: germline.
Comment: Nonsense variant predicted to result in protein truncation, as the last 1646 amino acids are lost, and other loss-of-function variants have been reported downstream; Not observed at significant frequency in large population cohorts (gnomAD); Has not been previously published as pathogenic or benign to our knowledge; This variant is associated with the following publications: (PMID: 16444271)

NM_002016.2(FLG):c.7248C>A (p.Tyr2416Ter)

Genes: CCDST (cervical cancer associated DHX9 suppressive transcript; plus strand), FLG (filaggrin; minus strand). Cytogenetic location: 1q21.3.
Variant type: single nucleotide variant.
Coding change: c.7248C>A on transcript NM_002016.2 (MANE Select); coding-DNA position 7248, C replaced by A.
Protein change: p.Tyr2416Ter; replaces tyrosine 2416 with a stop codon.
Molecular consequence: nonsense.
Genome position (GRCh38, 1-based): chr1:152,307,638, G>T on the plus strand (C>A on the coding strand, the complement: FLG is on the minus strand). VCF-style: chr1-152307638-G-T. GRCh37 (hg19) VCF-style: chr1-152280114-G-T.
Other names: short protein forms Y2416*.
Identifiers: ClinVar variation 4976443 (VCV004976443.1).